The following is an entry in ClinVar:

ClinVar aggregate classification (germline): Uncertain significance (1 of 4 stars; one submission).

Submission:

GeneDx
Classification: Uncertain significance. Last evaluated: 2026-03-06. Review status: criteria provided, single submitter. Criteria: GeneDx Variant Classification Process June 2021. Collection method: clinical testing. Allele origin: germline.
Comment: Not observed at significant frequency in large population cohorts (gnomAD); In silico analysis suggests that this missense variant does not alter protein structure/function; Has not been previously published as pathogenic or benign to our knowledge

NM_001164508.2(NEB):c.9050G>C (p.Ser3017Thr)

Gene: NEB (nebulin; minus strand). Cytogenetic location: 2q23.3.
Variant type: single nucleotide variant.
Coding change: c.9050G>C on transcript NM_001164508.2 (MANE Select); coding-DNA position 9050, G replaced by C.
Protein change: p.Ser3017Thr; replaces serine 3017 with threonine.
Molecular consequence: missense variant. On other transcripts: intron variant (1).
Genome position (GRCh38, 1-based): chr2:151,636,279, C>G on the plus strand (G>C on the coding strand, the complement: NEB is on the minus strand). VCF-style: chr2-151636279-C-G. GRCh37 (hg19) VCF-style: chr2-152492793-C-G.
Other names: c.9050G>C, p.Ser3017Thr (NM_001164507.2, NM_001271208.2); c.8853+3614G>C (NM_004543.5); short protein forms S3017T.
Identifiers: ClinVar variation 5008533 (VCV005008533.1).